The following is an entry in ClinVar:

ClinVar aggregate classification (germline): Benign/Likely benign. Review status: criteria provided, multiple submitters, no conflicts (2 of 4 stars). 3 submissions from 2 submitters: Benign (2); Likely benign (1). Last evaluated 2018-01-12.

Conditions:
Retinitis pigmentosa (RP). Identifiers: Orphanet 791, MedGen C0035334, MeSH D012174, MONDO:0019200, OMIM 268000. Inheritance: Autosomal dominant, autosomal recessive and X linked inheritance.
Leber congenital amaurosis 4 (LCA4). Identifiers: MedGen C1858386, MONDO:0011458, OMIM 604393.

Allele frequency attached by ClinVar (database versions not stated): gnomAD 0.18830 and 0.19087; TOPMed 0.19413; 1000 Genomes Project 0.19649; 1000 Genomes Project 30x 0.19941; gnomAD exomes 0.23529.
gnomAD v4.1: 28,619 of 152,262 alleles (19%); highest among the groups gnomAD compares: African/African-American, 30%; 3,157 homozygotes.

Submissions (3):

Illumina Laboratory Services, Illumina
Classification: Benign for Leber congenital amaurosis 4. Last evaluated: 2018-01-12. Review status: criteria provided, single submitter. Criteria: ICSL Variant Classification Criteria 13 December 2019. Collection method: clinical testing. Allele origin: germline.
Comment: This variant was observed in the ICSL laboratory as part of a predisposition screen in an ostensibly healthy population. It had not been previously curated by ICSL or reported in the Human Gene Mutation Database (HGMD: prior to June 1st, 2018), and was therefore a candidate for classification through an automated scoring system. Utilizing variant allele frequency, disease prevalence and penetrance estimates, and inheritance mode, an automated score was calculated to assess if this variant is too frequent to cause the disease. Based on the score and internal cut-off values, a variant classified as benign is not then subjected to further curation. The score for this variant resulted in a classification of benign for this disease.

Illumina Laboratory Services, Illumina
Classification: Benign for Retinitis pigmentosa. Last evaluated: 2018-01-12. Review status: criteria provided, single submitter. Criteria: ICSL Variant Classification Criteria 13 December 2019. Collection method: clinical testing. Allele origin: germline.
Comment: the same text as in the submission from Illumina Laboratory Services, Illumina above.

Breakthrough Genomics
Classification: Likely benign. Review status: criteria provided, single submitter. Criteria: ACMG Guidelines, 2015. Collection method: not provided. Allele origin: germline. Inheritance: Autosomal recessive inheritance. Affected: yes.

NM_014336.5(AIPL1):c.*1009A>G

Gene: AIPL1 (AIP like 1 HSP90 co-chaperone; minus strand). Cytogenetic location: 17p13.2.
Variant type: single nucleotide variant.
Coding change: c.*1009A>G on transcript NM_014336.5 (MANE Select); 1009 bases downstream of the stop codon, A replaced by G.
Molecular consequence: 3 prime UTR variant.
Genome position (GRCh38, 1-based): chr17:6,424,451, T>C on the plus strand (A>G on the coding strand, the complement: AIPL1 is on the minus strand). VCF-style: chr17-6424451-T-C. GRCh37 (hg19) VCF-style: chr17-6327771-T-C.
Other names: c.*1009A>G (NM_001033054.3, NM_001033055.3, NM_001285399.3 and 3 more transcripts).
Identifiers: ClinVar variation 324587 (VCV000324587.7), dbSNP rs4577135, ClinGen allele CA10646483.